The following is an entry in ClinVar:

NM_003477.3(PDHX):c.798_800delinsCGGACAACCCAATGCAGTGGTAGTGT (p.Gly273fs)

Gene: PDHX (pyruvate dehydrogenase complex component X; plus strand). Cytogenetic location: 11p13.
Variant type: Indel.
Coding change: c.798_800delinsCGGACAACCCAATGCAGTGGTAGTGT on transcript NM_003477.3 (MANE Select); coding-DNA positions 798 to 800, TGG replaced by CGGACAACCCAATGCAGTGGTAGTGT.
Protein change: p.Gly273fs; shifts the reading frame from glycine 273.
Molecular consequence: frameshift variant. On other transcripts: intron variant (1).
Genome position (GRCh38, 1-based): chr11:34,966,796-34,966,798, TGG replaced by CGGACAACCCAATGCAGTGGTAGTGT. VCF-style: chr11-34966796-TGG-CGGACAACCCAATGCAGTGGTAGTGT. GRCh37 (hg19) VCF-style: chr11-34988343-TGG-CGGACAACCCAATGCAGTGGTAGTGT.
Other names: c.618_620delinsCGGACAACCCAATGCAGTGGTAGTGT, p.Gly213fs (NM_001135024.2); c.343-17774_343-17772delinsCGGACAACCCAATGCAGTGGTAGTGT (NM_001166158.2); short protein forms G213fs, G273fs.
Identifiers: ClinVar variation 1723287 (VCV001723287.2), dbSNP rs2494721611, ClinGen allele CA2580084079.

ClinVar aggregate classification (germline): Conflicting classifications of pathogenicity. Review status: criteria provided, conflicting classifications (1 of 4 stars). 2 submissions from 2 submitters: Likely pathogenic (1); Uncertain significance (1). Last evaluated 2024-01-26.

Conditions:
Pyruvate dehydrogenase E3-binding protein deficiency (PDHXD). Also called: Lacticacidemia due to PDX1 deficiency; E3-Binding Protein (Component X) Deficiency; LACTIC ACIDEMIA DUE TO DEFECT IN LIPOYL-CONTAINING COMPONENT X OF THE PYRUVATE DEHYDROGENASE COMPLEX; PYRUVATE HYDROGENASE E3-BINDING PROTEIN DEFICIENCY. Identifiers: Orphanet 255182, MedGen C1855553, MONDO:0009503, OMIM 245349.

Submissions (2):

Fulgent Genetics
Classification: Likely pathogenic for Pyruvate dehydrogenase E3-binding protein deficiency. Last evaluated: 2024-01-26. Review status: criteria provided, single submitter. Criteria: ACMG Guidelines, 2015. Collection method: clinical testing. Allele origin: germline.

Women's Health and Genetics/Laboratory Corporation of America, LabCorp
Classification: Uncertain significance. Last evaluated: 2022-10-11. Review status: criteria provided, single submitter. Criteria: LabCorp Variant Classification Summary - May 2015. Collection method: clinical testing. Allele origin: germline.
Comment: Variant summary: PDHX c.798_800delinsCGGACAACCCAATGCAGTGGTAGTGT (c.798_800delins26) may result in a premature termination codon (predicted p.Gly273Valfs*27) or a synonymous change (predicted p.Pro266=) depending on whether the original splicing site or the created splicing site is utilized. Although this variant was absent in 251420 control chromosomes in gnomAD, another insertion variant (chr11-34988342-C-CCGGACAACCCAATGCAG) was found in 11/251420 chrs and manually curated as "Not LoF" due to genotyping issue and partial exon conservation. To our knowledge, no occurrence of c.798_800delins26 in individuals affected with Pyruvate Dehydrogenase E3-Binding Protein Deficiency and no experimental evidence demonstrating its impact on protein function have been reported. No clinical diagnostic laboratories have submitted clinical-significance assessments for this variant to ClinVar after 2014. Based on the evidence outlined above, the variant was classified as VUS.